The following is an entry in ClinVar:

NM_000531.6(OTC):c.264A>C (p.Lys88Asn)

Gene: OTC (ornithine transcarbamylase; plus strand). Cytogenetic location: Xp11.4.
Variant type: single nucleotide variant.
Coding change: c.264A>C on transcript NM_000531.6 (MANE Select); coding-DNA position 264, A replaced by C.
Protein change: p.Lys88Asn; replaces lysine 88 with asparagine.
Molecular consequence: missense variant.
Genome position (GRCh38, 1-based): chrX:38,369,843, A>C. VCF-style: chrX-38369843-A-C. GRCh37 (hg19) VCF-style: chrX-38229096-A-C.
Other names: NM_000531.6:c.264A>C; c.264A>C, p.Lys88Asn (NM_001407092.1); short protein forms K88N.
Identifiers: ClinVar variation 5018471 (VCV005018471.1).

ClinVar aggregate classification (germline): Uncertain significance (3 of 4 stars; one submission).

Conditions:
Ornithine carbamoyltransferase deficiency (OTCD). Also called: Ornithine Carbamoyltransferase Deficiency Disease; ORNITHINE TRANSCARBAMYLASE DEFICIENCY; ORNITHINE TRANSCARBAMYLASE DEFICIENCY, HYPERAMMONEMIA DUE TO; OTC DEFICIENCY. Identifiers: Orphanet 664, MedGen C0268542, MONDO:0010703, OMIM 311250.

Submission:

Clingen Urea Cycle Disorders Variant Curation Expert Panel, ClinGen
Classification: Uncertain significance for Ornithine carbamoyltransferase deficiency. Last evaluated: 2026-05-29. Review status: reviewed by expert panel. Criteria: ClinGen UreaCycles ACMG Specifications OTC V1.0. Collection method: curation. Allele origin: germline. Inheritance: X-linked inheritance.
Comment: The NM_000531.6:c.264A>C variant in OTC is a missense variant predicted to cause substitution of lysine by asparagine at amino acid 88 (p.Lys88Asn). This variant has not been reported in the literature in individuals affected with OTC deficiency. The computational predictor REVEL gives a score of 0.879, which is between 0.773 and 0.932, and Moderate evidence of impact on OTC/NAGS/CPS1 function (PP3_Moderate). This variant is absent from gnomAD v4.1.0 (PM2_Supporting). Growth assay in yeast showed >65% and <80% of wild-type OTC growth activity, indicating that this variant does not impact protein function (PMID: 37146589, BS3_Supporting). Another sequence variant, NM_000531.6(OTC):c.264A>T, results in the same amino acid change, p.Lys88Asn and is currently classified as likely pathogenic, however the spliceAI score for the c.264A>T variant is 0.24, wheras the splice score for this variant (c.264A>C) is 0.01 (≤0.20), therefore PS1 is not applicable at any strength. In summary, this variant meets the criteria to be classified as a variant of uncertain significance for X-linked ornithine carbamoyltransferase deficiency. ACMG/AMP criteria met, as specified by the ClinGen Urea Cycle Disorders VCEP (OTC specifications version 1.0.0): PP3_Moderate, PM2_Supporting, BS3_Supporting.